The following is an entry in ClinVar:

ClinVar aggregate classification (germline): Uncertain significance (1 of 4 stars; one submission).

Conditions:
LAMB2-related infantile-onset nephrotic syndrome. Also called: NEPHROTIC SYNDROME, TYPE 5, WITHOUT OCULAR ABNORMALITIES; NEPHROTIC SYNDROME, TYPE 5, WITH OCULAR ABNORMALITIES; Nephrotic Syndrome, type 5. Identifiers: Orphanet 306507, MedGen C3280113, MONDO:0013621, OMIM 614199.
Pierson syndrome. Also called: MICROCORIA-CONGENITAL NEPHROTIC SYNDROME. Identifiers: Orphanet 2670, MedGen C1836876, MONDO:0012184, OMIM 609049.

Allele frequency attached by ClinVar (database versions not stated): gnomAD exomes below 0.00001 and 0.00001; gnomAD 0.00001; TOPMed 0.00001; ExAC 0.00002.
gnomAD v4.1: 2 of 1,614,092 alleles (0.00012%); highest among the groups gnomAD compares: African/African-American, 0.0013%; no homozygotes.

Submission:

Labcorp Genetics (formerly Invitae), Labcorp
Classification: Uncertain significance for LAMB2-related infantile-onset nephrotic syndrome; Pierson syndrome. Last evaluated: 2024-11-11. Review status: criteria provided, single submitter. Criteria: Invitae Variant Classification Sherloc (09022015). Collection method: clinical testing. Allele origin: germline.
Comment: This sequence change replaces alanine, which is neutral and non-polar, with valine, which is neutral and non-polar, at codon 766 of the LAMB2 protein (p.Ala766Val). This variant is present in population databases (rs773407518, gnomAD 0.01%). This variant has not been reported in the literature in individuals affected with LAMB2-related conditions. ClinVar contains an entry for this variant (Variation ID: 567370). An algorithm developed to predict the effect of missense changes on protein structure and function outputs the following: PolyPhen-2: "Benign". The valine amino acid residue is found in multiple mammalian species, which suggests that this missense change does not adversely affect protein function. In summary, the available evidence is currently insufficient to determine the role of this variant in disease. Therefore, it has been classified as a Variant of Uncertain Significance.

NM_002292.4(LAMB2):c.2297C>T (p.Ala766Val)

Gene: LAMB2 (laminin subunit beta 2; minus strand). Cytogenetic location: 3p21.31.
Variant type: single nucleotide variant.
Coding change: c.2297C>T on transcript NM_002292.4 (MANE Select); coding-DNA position 2297, C replaced by T.
Protein change: p.Ala766Val; replaces alanine 766 with valine.
Molecular consequence: missense variant.
Genome position (GRCh38, 1-based): chr3:49,126,014, G>A on the plus strand (C>T on the coding strand, the complement: LAMB2 is on the minus strand). VCF-style: chr3-49126014-G-A. GRCh37 (hg19) VCF-style: chr3-49163447-G-A.
Other names: short protein forms A766V.
Identifiers: ClinVar variation 567370 (VCV000567370.6), dbSNP rs773407518, ClinGen allele CA2394339.